The following is an entry in ClinVar:

ClinVar aggregate classification (germline): Uncertain significance (1 of 4 stars; one submission).

Allele frequency attached by ClinVar (database versions not stated): gnomAD exomes below 0.00001; TOPMed below 0.00001.
gnomAD v4.1: 7 of 1,613,994 alleles (0.00043%); highest among the groups gnomAD compares: Admixed American, 0.0017%; no homozygotes.

Submission:

GeneDx
Classification: Uncertain significance. Last evaluated: 2022-05-23. Review status: criteria provided, single submitter. Criteria: GeneDx Variant Classification Process June 2021. Collection method: clinical testing. Allele origin: germline. Affected: yes.
Comment: Not observed at significant frequency in large population cohorts (gnomAD); In silico analysis supports that this missense variant has a deleterious effect on protein structure/function; Has not been previously published as pathogenic or benign to our knowledge

NM_001136035.4(TRMT1):c.1279C>T (p.Arg427Trp)

Gene: TRMT1 (tRNA methyltransferase 1; minus strand). Cytogenetic location: 19p13.13.
Variant type: single nucleotide variant.
Coding change: c.1279C>T on transcript NM_001136035.4 (MANE Select); coding-DNA position 1279, C replaced by T.
Protein change: p.Arg427Trp; replaces arginine 427 with tryptophan.
Molecular consequence: missense variant.
Genome position (GRCh38, 1-based): chr19:13,109,582, G>A on the plus strand (C>T on the coding strand, the complement: TRMT1 is on the minus strand). VCF-style: chr19-13109582-G-A. GRCh37 (hg19) VCF-style: chr19-13220396-G-A.
Other names: c.1192C>T, p.Arg398Trp (NM_001142554.3, NM_001351760.2); c.1171C>T, p.Arg391Trp (NM_001351761.2); c.496C>T, p.Arg166Trp (NM_001351762.2); c.1279C>T, p.Arg427Trp (NM_017722.5); short protein forms R166W, R391W, R398W, R427W.
Identifiers: ClinVar variation 1800970 (VCV001800970.1), dbSNP rs1381050160, ClinGen allele CA404311867.